The following is an entry in ClinVar:

NM_002291.3(LAMB1):c.4074C>T (p.Asp1358=)

Gene: LAMB1 (laminin subunit beta 1; minus strand). Cytogenetic location: 7q31.1.
Variant type: single nucleotide variant.
Coding change: c.4074C>T on transcript NM_002291.3 (MANE Select); coding-DNA position 4074, C replaced by T.
Protein change: p.Asp1358=; no amino-acid change (aspartic acid 1358 retained).
Molecular consequence: synonymous variant.
Genome position (GRCh38, 1-based): chr7:107,935,529, G>A on the plus strand (C>T on the coding strand, the complement: LAMB1 is on the minus strand). VCF-style: chr7-107935529-G-A. GRCh37 (hg19) VCF-style: chr7-107575974-G-A.
Identifiers: ClinVar variation 515389 (VCV000515389.6), dbSNP rs146681738, ClinGen allele CA4435158.

ClinVar aggregate classification (germline): Likely benign. Review status: criteria provided, multiple submitters, no conflicts (2 of 4 stars). 3 submissions from 3 submitters: Likely benign (2). 1 of the submissions does not count toward it. Last evaluated 2024-09-19.

Conditions:
LAMB1-related disorder. Also called: LAMB1-related condition.

Allele frequency attached by ClinVar (database versions not stated): TOPMed 0.00001.
gnomAD v4.1: 29 of 1,613,600 alleles (0.0018%); highest among the groups gnomAD compares: Middle Eastern, 0.016%; no homozygotes.

Submissions (3):

Labcorp Genetics (formerly Invitae), Labcorp
Classification: Likely benign. Last evaluated: 2024-09-19. Review status: criteria provided, single submitter. Criteria: Invitae Variant Classification Sherloc (09022015). Collection method: clinical testing. Allele origin: germline.

GeneDx
Classification: Likely benign. Last evaluated: 2018-02-02. Review status: criteria provided, single submitter. Criteria: GeneDx Variant Classification (06012015). Collection method: clinical testing. Allele origin: germline. Affected: yes.
Comment: This variant is considered likely benign or benign based on one or more of the following criteria: it is a conservative change, it occurs at a poorly conserved position in the protein, it is predicted to be benign by multiple in silico algorithms, and/or has population frequency not consistent with disease.

PreventionGenetics, part of Exact Sciences
Classification: Likely benign for LAMB1-related condition. Last evaluated: 2019-10-28. Review status: no assertion criteria provided. Collection method: clinical testing. Allele origin: germline. Not counted in ClinVar's aggregate classification.
Comment: This variant is classified as likely benign based on ACMG/AMP sequence variant interpretation guidelines (Richards et al. 2015 PMID: 25741868, with internal and published modifications).